The following is an entry in ClinVar:

ClinVar aggregate classification (germline): Uncertain significance (1 of 4 stars; one submission).

Conditions:
Primary ciliary dyskinesia. Also called: Ciliary dyskinesia. Identifiers: Orphanet 244, MedGen C0008780, MONDO:0016575, HP:0012265.

gnomAD v4.1: 4 of 1,613,616 alleles (0.00025%); highest among the groups gnomAD compares: Admixed American, 0.005%; no homozygotes.

Submission:

Ambry Genetics
Classification: Uncertain significance for Primary ciliary dyskinesia. Last evaluated: 2024-12-21. Review status: criteria provided, single submitter. Criteria: Ambry Variant Classification Scheme 2023. Collection method: clinical testing. Allele origin: germline.
Comment: The p.I327F variant (also known as c.979A>T), located in coding exon 7 of the DNAAF1 gene, results from an A to T substitution at nucleotide position 979. The isoleucine at codon 327 is replaced by phenylalanine, an amino acid with highly similar properties. This amino acid position is conserved. In addition, this alteration is predicted to be tolerated by in silico analysis. Based on the available evidence, the clinical significance of this variant remains unclear.

NM_178452.6(DNAAF1):c.979A>T (p.Ile327Phe)

Gene: DNAAF1 (dynein axonemal assembly factor 1; plus strand). Cytogenetic location: 16q24.1.
Variant type: single nucleotide variant.
Coding change: c.979A>T on transcript NM_178452.6 (MANE Select); coding-DNA position 979, A replaced by T.
Protein change: p.Ile327Phe; replaces isoleucine 327 with phenylalanine.
Molecular consequence: missense variant.
Genome position (GRCh38, 1-based): chr16:84,165,898, A>T. VCF-style: chr16-84165898-A-T. GRCh37 (hg19) VCF-style: chr16-84199504-A-T.
Other names: c.223A>T, p.Ile75Phe (NM_001318756.1); short protein forms I327F, I75F.
Identifiers: ClinVar variation 3840658 (VCV003840658.1).
Genomic context (GRCh38, chr16:84,165,898, plus strand): 5'-CAGCAGTGGGAGAGCAGGGAGCGGAAGAAGATCACAGACAGCATTGAAGCCTTGGCCATG[A>T]TCAAGCAGCGGGCAGAGGAGAGGAAAAGACAGAGAGAGAGTCAAGAGAGAGGTATGCGCT-3'
Protein context (NP_848547.4, residues 317-337): ITDSIEALAM[Ile327Phe]KQRAEERKRQ